The following is an entry in ClinVar:

ClinVar aggregate classification (germline): Uncertain significance (1 of 4 stars; one submission).

gnomAD v4.1: 1 of 1,612,830 alleles (0.000062%); highest among the groups gnomAD compares: African/African-American, 0.0013%; no homozygotes.

Submission:

Labcorp Genetics (formerly Invitae), Labcorp
Classification: Uncertain significance. Last evaluated: 2023-10-13. Review status: criteria provided, single submitter. Criteria: Invitae Variant Classification Sherloc (09022015). Collection method: clinical testing. Allele origin: germline.
Comment: This sequence change replaces valine, which is neutral and non-polar, with leucine, which is neutral and non-polar, at codon 1659 of the ASPM protein (p.Val1659Leu). This variant is not present in population databases (gnomAD no frequency). This variant has not been reported in the literature in individuals affected with ASPM-related conditions. ClinVar contains an entry for this variant (Variation ID: 2126650). Advanced modeling of protein sequence and biophysical properties (such as structural, functional, and spatial information, amino acid conservation, physicochemical variation, residue mobility, and thermodynamic stability) performed at Invitae indicates that this missense variant is not expected to disrupt ASPM protein function. In summary, the available evidence is currently insufficient to determine the role of this variant in disease. Therefore, it has been classified as a Variant of Uncertain Significance.

NM_018136.5(ASPM):c.4975G>C (p.Val1659Leu)

Gene: ASPM (assembly factor for spindle microtubules; minus strand). Cytogenetic location: 1q31.3.
Variant type: single nucleotide variant.
Coding change: c.4975G>C on transcript NM_018136.5 (MANE Select); coding-DNA position 4975, G replaced by C.
Protein change: p.Val1659Leu; replaces valine 1659 with leucine.
Molecular consequence: missense variant. On other transcripts: intron variant (1).
Genome position (GRCh38, 1-based): chr1:197,104,276, C>G on the plus strand (G>C on the coding strand, the complement: ASPM is on the minus strand). VCF-style: chr1-197104276-C-G. GRCh37 (hg19) VCF-style: chr1-197073406-C-G.
Other names: c.4066-8112G>C (NM_001206846.2); short protein forms V1659L.
Identifiers: ClinVar variation 2126650 (VCV002126650.4), dbSNP rs560847421, ClinGen allele CA35874131.